The following is an entry in ClinVar:

ClinVar aggregate classification (germline): Uncertain significance. Review status: criteria provided, multiple submitters, no conflicts (2 of 4 stars). 2 submissions from 2 submitters: Uncertain significance (2). Last evaluated 2025-09-26.

Allele frequency attached by ClinVar (database versions not stated): gnomAD 0.00001; TOPMed 0.00001; gnomAD exomes 0.00002 and 0.00004; ExAC 0.00006; 1000 Genomes Project 30x 0.00021; 1000 Genomes Project 0.00026.
gnomAD v4.1: 23 of 1,210,130 alleles (0.0019%); highest among the groups gnomAD compares: East Asian, 0.068%; no homozygotes.

Submissions (2):

Ambry Genetics
Classification: Uncertain significance. Last evaluated: 2025-09-26. Review status: criteria provided, single submitter. Criteria: Ambry Variant Classification Scheme 2023. Collection method: clinical testing. Allele origin: germline.

Labcorp Genetics (formerly Invitae), Labcorp
Classification: Uncertain significance. Last evaluated: 2022-08-09. Review status: criteria provided, single submitter. Criteria: Invitae Variant Classification Sherloc (09022015). Collection method: clinical testing. Allele origin: germline.
Comment: This variant has not been reported in the literature in individuals affected with COL4A6-related conditions. In summary, the available evidence is currently insufficient to determine the role of this variant in disease. Therefore, it has been classified as a Variant of Uncertain Significance. Algorithms developed to predict the effect of missense changes on protein structure and function are either unavailable or do not agree on the potential impact of this missense change (SIFT: "Tolerated"; PolyPhen-2: "Not Available"; Align-GVGD: "Class C0"). ClinVar contains an entry for this variant (Variation ID: 1438605). This variant is present in population databases (rs768985382, gnomAD 0.05%), and has an allele count higher than expected for a pathogenic variant. This sequence change replaces phenylalanine, which is neutral and non-polar, with leucine, which is neutral and non-polar, at codon 81 of the COL4A6 protein (p.Phe81Leu).

NM_033641.4(COL4A6):c.238T>C (p.Phe80Leu)

Gene: COL4A6 (collagen type IV alpha 6 chain; minus strand). Cytogenetic location: Xq22.3.
Variant type: single nucleotide variant.
Coding change: c.238T>C on transcript NM_033641.4 (MANE Select); coding-DNA position 238, T replaced by C.
Protein change: p.Phe80Leu; replaces phenylalanine 80 with leucine.
Molecular consequence: missense variant.
Genome position (GRCh38, 1-based): chrX:108,221,281, A>G on the plus strand (T>C on the coding strand, the complement: COL4A6 is on the minus strand). VCF-style: chrX-108221281-A-G. GRCh37 (hg19) VCF-style: chrX-107464511-A-G.
Other names: c.238T>C, p.Phe80Leu (NM_001287758.2, NM_001287759.2, NM_001287760.2); c.241T>C, p.Phe81Leu (NM_001847.4); c.241T>C (NM_001847.2); short protein forms F80L, F81L.
Identifiers: ClinVar variation 1438605 (VCV001438605.10), dbSNP rs768985382, ClinGen allele CA10488242.
Genomic context (GRCh38, chrX:108,221,281, plus strand): 5'-CAAGCTTTGCTGGTCTTACCTTATCTCCTTTTGGTCCATAAGGTCCCAGAAGGCCTGGGA[A>G]ACCCCTTTCTCCTTTCAATCCCGATAAACCAGTAGAGCCAGTGAATCCTTGAGGACCTGT-3'
Protein context (NP_378667.1, residues 70-90): GLSGLKGERG[Phe80Leu]PGLLGPYGPK